The following is an entry in ClinVar:

ClinVar aggregate classification (germline): Benign (0 of 4 stars; one submission).

Conditions:
DNHD1-related disorder. Also called: DNHD1-related condition.

Allele frequency attached by ClinVar (database versions not stated): 1000 Genomes Project 0.07149; 1000 Genomes Project 30x 0.07542.
gnomAD v4.1: 38,985 of 1,550,752 alleles (2.5%); highest among the groups gnomAD compares: African/African-American, 20%; 1,723 homozygotes.

Submission:

PreventionGenetics, part of Exact Sciences
Classification: Benign for DNHD1-related condition. Last evaluated: 2020-02-24. Review status: no assertion criteria provided. Collection method: clinical testing. Allele origin: germline.
Comment: This variant is classified as benign based on ACMG/AMP sequence variant interpretation guidelines (Richards et al. 2015 PMID: 25741868, with internal and published modifications).

NM_144666.3(DNHD1):c.8581C>T (p.His2861Tyr)

Gene: DNHD1 (dynein heavy chain domain 1; plus strand). Cytogenetic location: 11p15.4.
Variant type: single nucleotide variant.
Coding change: c.8581C>T on transcript NM_144666.3 (MANE Select); coding-DNA position 8581, C replaced by T.
Protein change: p.His2861Tyr; replaces histidine 2861 with tyrosine.
Molecular consequence: missense variant.
Genome position (GRCh38, 1-based): chr11:6,557,876, C>T. VCF-style: chr11-6557876-C-T. GRCh37 (hg19) VCF-style: chr11-6579106-C-T.
Other names: short protein forms H2861Y.
Identifiers: ClinVar variation 3055943 (VCV003055943.2), dbSNP rs11040920, ClinGen allele CA5856315.